The following is an entry in ClinVar:

ClinVar aggregate classification (germline): Conflicting classifications of pathogenicity. Review status: criteria provided, conflicting classifications (1 of 4 stars). 11 submissions from 11 submitters: Uncertain significance (2); Benign (2); Likely benign (4). 3 of the submissions do not count toward it. Last evaluated 2026-07-01.

Conditions:
Autosomal dominant polycystic liver disease. Also called: Congenital cystic disease of liver; Polycystic liver disease. Identifiers: Orphanet 2924, MedGen C0158683, MONDO:0000447, HP:0006557.
PKHD1-related disorder. Also called: PKHD1-related condition.
Autosomal recessive polycystic kidney disease (ARPKD). Also called: AR polycystic kidney disease. Identifiers: Orphanet 731, Orphanet 8378, MedGen C0085548, MeSH D017044, MONDO:0009889.
Polycystic kidney disease. Also called: Kidney, Polycystic; Polycystic kidney dysplasia. Identifiers: MedGen C0022680, MeSH D007690, MONDO:0020642, HP:0000113.

Allele frequency attached by ClinVar (database versions not stated): TOPMed 0.00290; gnomAD exomes 0.00308 and 0.00167; ESP Exome Variant Server 0.00200; 1000 Genomes Project 0.00120; ExAC 0.00173; gnomAD 0.00190 and 0.00261; 1000 Genomes Project 30x 0.00109.
gnomAD v4.1: 4,846 of 1,613,826 alleles (0.3%); highest among the groups gnomAD compares: Non-Finnish European, 0.38%; 14 homozygotes.

Submissions (11):

CeGaT Center for Human Genetics Tuebingen
Classification: Likely benign. Last evaluated: 2026-07-01. Review status: criteria provided, single submitter. Criteria: CeGaT Center For Human Genetics Tuebingen Variant Classification Criteria Version 2. Collection method: clinical testing. Allele origin: germline. Affected: yes. Observed: 7 variant alleles.
Comment: PKHD1: BP4

Labcorp Genetics (formerly Invitae), Labcorp
Classification: Benign for Autosomal recessive polycystic kidney disease. Last evaluated: 2026-01-29. Review status: criteria provided, single submitter. Criteria: Invitae Variant Classification Sherloc (09022015). Collection method: clinical testing. Allele origin: germline.

Mayo Clinic Laboratories, Mayo Clinic
Classification: Benign. Last evaluated: 2025-06-23. Review status: criteria provided, single submitter. Criteria: ACMG Guidelines, 2015. Collection method: clinical testing. Allele origin: germline. Observed: 3 variant alleles.
Comment: BS1, BS2

Blueprint Genetics
Classification: Likely benign. Last evaluated: 2024-11-25. Review status: criteria provided, single submitter. Criteria: ACMG Guidelines, 2015. Collection method: clinical testing. Allele origin: germline.

GeneDx
Classification: Likely benign. Last evaluated: 2020-08-23. Review status: criteria provided, single submitter. Criteria: GeneDx Variant Classification Process June 2021. Collection method: clinical testing. Allele origin: germline. Affected: yes.
Comment: This variant is associated with the following publications: (PMID: 21228398, 15805161)

Women's Health and Genetics/Laboratory Corporation of America, LabCorp
Classification: Uncertain significance. Last evaluated: 2017-10-16. Review status: criteria provided, single submitter. Criteria: LabCorp Variant Classification Summary - May 2015. Collection method: clinical testing. Allele origin: germline.
Comment: Variant summary: The PKHD1 c.9788T>C (p.Val3263Ala) variant causes a missense change involving the alteration of a conserved nucleotide. 2/3 in silico tools predict a benign outcome for this variant (SNPsandGO not captured due to low reliability index). This variant was found in 463/258028 control chromosomes (gnomAD), including 2 homozygotes, at a frequency of 0.0017944, which does not exceed the estimated maximal expected allele frequency of a pathogenic PKHD1 variant (0.0070711). Clinical diagnostic laboratories/reputable databases classified this variant as likely benign and uncertain significance. The variant of interest has been reported in multiple patients with ARPKD (Melchionda_2016, Sharp_2005) and pathologies with partially overlapping renal phenotype, including one patient with dominantly inherited isolated polycystic liver disease (Besse_2017), all without strong evidence for causality. Because of the absence of clinical information and the lack of functional studies, the variant is classified as a variant of uncertain significance (VUS) until more definitive clinical and functional data become available.

Illumina Laboratory Services, Illumina
Classification: Uncertain significance for Polycystic kidney disease 4. Last evaluated: 2017-04-27. Review status: criteria provided, single submitter. Criteria: ICSL Variant Classification Criteria 13 December 2019. Collection method: clinical testing. Allele origin: germline.
Comment: This variant was observed as part of a predisposition screen in an ostensibly healthy population. A literature search was performed for the gene, cDNA change, and amino acid change (where applicable). Publications were found based on this search. However, the evidence from the literature, in combination with allele frequency data from public databases where available, was not sufficient to rule this variant in or out of causing disease. Therefore, this variant is classified as a variant of unknown significance.

Eurofins Ntd Llc (ga)
Classification: Likely benign. Last evaluated: 2016-04-04. Review status: criteria provided, single submitter. Criteria: EGL Classification Definitions 2015. Collection method: clinical testing. Allele origin: germline. Observed: 3 variant alleles, 3 heterozygotes.

PreventionGenetics, part of Exact Sciences
Classification: Likely benign for PKHD1-related condition. Last evaluated: 2022-02-09. Review status: no assertion criteria provided. Collection method: clinical testing. Allele origin: germline. Not counted in ClinVar's aggregate classification.
Comment: This variant is classified as likely benign based on ACMG/AMP sequence variant interpretation guidelines (Richards et al. 2015 PMID: 25741868, with internal and published modifications).

Laboratory of Gastroenterology and Hepatology, Radboud University Medical Center
Classification: Uncertain significance for Autosomal dominant polycystic liver disease. Last evaluated: 2021-09-01. Review status: no assertion criteria provided. Collection method: research. Allele origin: germline. Affected: yes. Not counted in ClinVar's aggregate classification.

Department of Pathology and Laboratory Medicine, Sinai Health System
Classification: Uncertain significance for Polycystic Kidney disease. Review status: no assertion criteria provided. Collection method: clinical testing. Allele origin: unknown. Affected: yes. Study: The Canadian Open Genetics Repository (COGR). Not counted in ClinVar's aggregate classification.
Comment: The PKHD1, p.Val3263Ala variant was identified in 2 of 274 proband chromosomes (frequency: 0.007) from individuals or families with ARPKD, and was not identified in 200 control chromosomes from healthy individuals (Sharp 2005, Gunay-Aygun 2010). The variant was also identified in dbSNP (ID: rs146519878) as â€šÃ„ÃºWith Uncertain significance alleleâ€šÃ„Ã¹, Clinvitae database (classified as unclassified variant by ClinVar and Invitae), the ClinVar database (classified as uncertain significance by Emory Genetics and Invitae), RWTH AAachen University ARPKD database (classified as probably benign) and PKHD1-LOVD (2x as unknown/not classified). This variant was identified in the 1000 Genomes Project in 6 of 5000 chromosomes (frequency: 0.0012), the NHLBI GO Exome Sequencing Project in 25 of 8600 European American and in 1 of 4406 African American alleles, the Exome Aggregation Consortium database (August 8, 2016) in 210 (1 homozygous) of 121276 chromosomes (freq. 0.002) in the following populations: European in 193 of 66708 chromosomes (freq. 0.003), Latino in 7 of 11500 chromosomes (freq. 0.0006), African in 5 of 10406 chromosomes (freq. 0.0005), Finnish in 3 of 6612 chromosomes (freq. 0.0005), South Asian in 1 of 16512 chromosomes (freq. 0.00006), Other in 1 of 906 chromosomes (freq. 0.001), although this low number of observations and low frequency is not substantive enough to determine the prevalence of the variant in the general population and its relationship to disease. The p.Val3263 residue is not conserved in mammals and computational analyses (PolyPhen-2, SIFT, AlignGVGD, BLOSUM, MutationTaster) provide inconsistent predictions regarding the impact to the protein; this information is not very predictive of pathogenicity. The variant occurs outside of the splicing consensus sequence and 4 of 5 in silico or computational prediction software programs (SpliceSiteFinder, MaxEntScan, NNSPLICE, GeneSplicer, HumanSpliceFinder) predict the loss of a 5â€šÃ„Ã´ splice site that is not at the canonical 5â€šÃ„Ã´ splice site. However, this information is not predictive enough to assume pathogenicity. In summary, based on the above information, the clinical significance of this variant cannot be determined with certainty at this time. This variant is classified as a variant of uncertain significance.

Literature cited by the submitters: PubMed 16876319 (cited by Women's Health and Genetics/Laboratory Corporation of America, LabCorp); PubMed 26673778 (cited by Women's Health and Genetics/Laboratory Corporation of America, LabCorp); PubMed 28862642 (cited by Women's Health and Genetics/Laboratory Corporation of America, LabCorp); PubMed 15805161 (cited by 3 submitters); PubMed 27225849 (cited by Women's Health and Genetics/Laboratory Corporation of America, LabCorp); PubMed 21228398 (cited by Women's Health and Genetics/Laboratory Corporation of America, LabCorp).

NM_138694.4(PKHD1):c.9788T>C (p.Val3263Ala)

Gene: PKHD1 (PKHD1 ciliary IPT domain containing fibrocystin/polyductin; minus strand). Cytogenetic location: 6p12.3.
Variant type: single nucleotide variant.
Coding change: c.9788T>C on transcript NM_138694.4 (MANE Select); coding-DNA position 9788, T replaced by C.
Protein change: p.Val3263Ala; replaces valine 3263 with alanine.
Molecular consequence: missense variant.
Genome position (GRCh38, 1-based): chr6:51,747,828, A>G on the plus strand (T>C on the coding strand, the complement: PKHD1 is on the minus strand). VCF-style: chr6-51747828-A-G. GRCh37 (hg19) VCF-style: chr6-51612626-A-G.
Other names: c.9788T>C, p.Val3263Ala (NM_170724.3); short protein forms V3263A.
Identifiers: ClinVar variation 167477 (VCV000167477.70), dbSNP rs146519878, ClinGen allele CA234563.